The following is an entry in ClinVar:

ClinVar aggregate classification (germline): Uncertain significance (1 of 4 stars; one submission).

Conditions:
Pulmonary hypertension, primary, 4. Identifiers: Orphanet 422, MedGen C3809198, MONDO:0014136, OMIM 615344.

Allele frequency attached by ClinVar (database versions not stated): gnomAD 0.00001.

Submission:

Labcorp Genetics (formerly Invitae), Labcorp
Classification: Uncertain significance for Pulmonary hypertension, primary, 4. Last evaluated: 2023-04-26. Review status: criteria provided, single submitter. Criteria: Invitae Variant Classification Sherloc (09022015). Collection method: clinical testing. Allele origin: germline.
Comment: This sequence change replaces aspartic acid, which is acidic and polar, with asparagine, which is neutral and polar, at codon 337 of the KCNK3 protein (p.Asp337Asn). In summary, the available evidence is currently insufficient to determine the role of this variant in disease. Therefore, it has been classified as a Variant of Uncertain Significance. An algorithm developed to predict the effect of missense changes on protein structure and function (PolyPhen-2) suggests that this variant is likely to be disruptive. This variant has not been reported in the literature in individuals affected with KCNK3-related conditions. The frequency data for this variant in the population databases is considered unreliable, as metrics indicate poor data quality at this position in the gnomAD database.

NM_002246.3(KCNK3):c.1009G>A (p.Asp337Asn)

Gene: KCNK3 (potassium two pore domain channel subfamily K member 3; plus strand). Cytogenetic location: 2p23.3.
Variant type: single nucleotide variant.
Coding change: c.1009G>A on transcript NM_002246.3 (MANE Select); coding-DNA position 1009, G replaced by A.
Protein change: p.Asp337Asn; replaces aspartic acid 337 with asparagine.
Molecular consequence: missense variant.
Genome position (GRCh38, 1-based): chr2:26,728,392, G>A. VCF-style: chr2-26728392-G-A. GRCh37 (hg19) VCF-style: chr2-26951260-G-A.
Other names: short protein forms D337N.
Identifiers: ClinVar variation 2796388 (VCV002796388.3), dbSNP rs1325281151, ClinGen allele CA346263230.